The following is an entry in ClinVar:

NM_000466.3(PEX1):c.852C>A (p.Asp284Glu)

Gene: PEX1 (peroxisomal biogenesis factor 1; minus strand). Cytogenetic location: 7q21.2.
Variant type: single nucleotide variant.
Coding change: c.852C>A on transcript NM_000466.3 (MANE Select); coding-DNA position 852, C replaced by A.
Protein change: p.Asp284Glu; replaces aspartic acid 284 with glutamic acid.
Molecular consequence: missense variant.
Genome position (GRCh38, 1-based): chr7:92,517,663, G>T on the plus strand (C>A on the coding strand, the complement: PEX1 is on the minus strand). VCF-style: chr7-92517663-G-T. GRCh37 (hg19) VCF-style: chr7-92146977-G-T.
Other names: c.852C>A, p.Asp284Glu (NM_001282677.2); c.228C>A, p.Asp76Glu (NM_001282678.2); short protein forms D284E, D76E.
Identifiers: ClinVar variation 1043155 (VCV001043155.10), dbSNP rs1792859390, ClinGen allele CA368199419.

ClinVar aggregate classification (germline): Uncertain significance. Review status: criteria provided, single submitter (1 of 4 stars). 2 submissions from 2 submitters: Uncertain significance (1). 1 of the submissions does not count toward it. Last evaluated 2021-08-27.

Conditions:
Zellweger spectrum disorders (ZS). Also called: Zellweger Spectrum Disorder; Zellweger Spectrum; Zellweger Spectrum Disorder (ZSD); Zellweger syndrome. Identifiers: Orphanet 912, MedGen C0043459, MONDO:0019609.

Submissions (2):

Labcorp Genetics (formerly Invitae), Labcorp
Classification: Uncertain significance for Zellweger spectrum disorders. Last evaluated: 2021-08-27. Review status: criteria provided, single submitter. Criteria: Invitae Variant Classification Sherloc (09022015). Collection method: clinical testing. Allele origin: germline.
Comment: This sequence change replaces aspartic acid with glutamic acid at codon 284 of the PEX1 protein (p.Asp284Glu). The aspartic acid residue is moderately conserved and there is a small physicochemical difference between aspartic acid and glutamic acid. This variant is not present in population databases (ExAC no frequency). This variant has not been reported in the literature in individuals affected with PEX1-related conditions. Algorithms developed to predict the effect of missense changes on protein structure and function (SIFT, PolyPhen-2, Align-GVGD) all suggest that this variant is likely to be tolerated. In summary, the available evidence is currently insufficient to determine the role of this variant in disease. Therefore, it has been classified as a Variant of Uncertain Significance.

Natera, Inc.
Classification: Uncertain significance for Zellweger syndrome. Last evaluated: 2018-11-15. Review status: no assertion criteria provided. Collection method: clinical testing. Allele origin: germline. Not counted in ClinVar's aggregate classification.